The following is an entry in ClinVar:

NM_020693.4(DSCAML1):c.678C>T (p.Pro226=)

Gene: DSCAML1 (DS cell adhesion molecule like 1; minus strand). Cytogenetic location: 11q23.3.
Variant type: single nucleotide variant.
Coding change: c.678C>T on transcript NM_020693.4 (MANE Select); coding-DNA position 678, C replaced by T.
Protein change: p.Pro226=; no amino-acid change (proline 226 retained).
Molecular consequence: synonymous variant.
Genome position (GRCh38, 1-based): chr11:117,525,064, G>A on the plus strand (C>T on the coding strand, the complement: DSCAML1 is on the minus strand). VCF-style: chr11-117525064-G-A. GRCh37 (hg19) VCF-style: chr11-117395779-G-A.
Other names: c.678C>T, p.Pro226= (NM_001367904.1); c.270C>T, p.Pro90= (NM_001367905.1); c.858C>T (NM_020693.3).
Identifiers: ClinVar variation 1559753 (VCV001559753.11), dbSNP rs143227689, ClinGen allele CA6297472.

ClinVar aggregate classification (germline): Benign. Review status: criteria provided, multiple submitters, no conflicts (2 of 4 stars). 3 submissions from 3 submitters: Benign (2). 1 of the submissions does not count toward it. Last evaluated 2026-01-20.

Conditions:
DSCAML1-related disorder. Also called: DSCAML1-related condition.

Allele frequency attached by ClinVar (database versions not stated): 1000 Genomes Project 30x 0.00047; 1000 Genomes Project 0.00060; ESP Exome Variant Server 0.00093; gnomAD exomes 0.00101 and 0.00115; ExAC 0.00235; gnomAD 0.00068 and 0.00076; TOPMed 0.00084.
gnomAD v4.1: 1,604 of 1,575,102 alleles (0.1%); highest among the groups gnomAD compares: Middle Eastern, 0.77%; 8 homozygotes.

Submissions (3):

Labcorp Genetics (formerly Invitae), Labcorp
Classification: Benign. Last evaluated: 2026-01-20. Review status: criteria provided, single submitter. Criteria: Invitae Variant Classification Sherloc (09022015). Collection method: clinical testing. Allele origin: germline.

Breakthrough Genomics
Classification: Benign. Review status: criteria provided, single submitter. Criteria: ACMG Guidelines, 2015. Collection method: not provided. Allele origin: germline. Inheritance: Unknown mechanism. Affected: yes.

PreventionGenetics, part of Exact Sciences
Classification: Likely benign for DSCAML1-related condition. Last evaluated: 2019-04-30. Review status: no assertion criteria provided. Collection method: clinical testing. Allele origin: germline. Not counted in ClinVar's aggregate classification.
Comment: This variant is classified as likely benign based on ACMG/AMP sequence variant interpretation guidelines (Richards et al. 2015 PMID: 25741868, with internal and published modifications).